The following is an entry in ClinVar:

NM_012141.3(INTS6):c.1648C>T (p.Arg550Ter)

Gene: INTS6 (integrator complex subunit 6; minus strand). Cytogenetic location: 13q14.3.
Variant type: single nucleotide variant.
Coding change: c.1648C>T on transcript NM_012141.3 (MANE Select); coding-DNA position 1648, C replaced by T.
Protein change: p.Arg550Ter; replaces arginine 550 with a stop codon.
Molecular consequence: nonsense.
Genome position (GRCh38, 1-based): chr13:51,376,129, G>A on the plus strand (C>T on the coding strand, the complement: INTS6 is on the minus strand). VCF-style: chr13-51376129-G-A. GRCh37 (hg19) VCF-style: chr13-51950265-G-A.
Other names: c.1609C>T, p.Arg537Ter (NM_001039937.2); c.1114C>T, p.Arg372Ter (NM_001306091.2); short protein forms R372*, R537*, R550*.
Identifiers: ClinVar variation 3052300 (VCV003052300.3), dbSNP rs577704602, ClinGen allele CA6986870.

ClinVar aggregate classification (germline): Uncertain significance (1 of 4 stars; one submission).

Conditions:
INTS6-related disorder. Also called: INTS6-related condition.

Allele frequency attached by ClinVar (database versions not stated): ExAC 0.00001; gnomAD 0.00001; 1000 Genomes Project 30x 0.00016; 1000 Genomes Project 0.00020.

Submission:

PreventionGenetics, part of Exact Sciences
Classification: Uncertain significance for INTS6-related condition. Last evaluated: 2026-07-09. Review status: criteria provided, single submitter. Criteria: ACMG Guidelines, 2015. Collection method: clinical testing. Allele origin: germline.
Comment: The INTS6 c.1648C>T variant is predicted to result in premature protein termination (p.Arg550*). To our knowledge, this variant has not been reported in the literature. This variant is reported in 0.0055% of alleles in individuals of East Asian descent in gnomAD; however, the quality of this data is questionable and should be interpreted with caution. At this time, the clinical significance of this variant is uncertain due to the absence of conclusive functional and genetic evidence.